The following is an entry in ClinVar:

ClinVar aggregate classification (germline): Uncertain significance (1 of 4 stars; one submission).

gnomAD v4.1: 5 of 1,598,130 alleles (0.00031%); highest among the groups gnomAD compares: Non-Finnish European, 0.00043%; no homozygotes.

Submission:

Women's Health and Genetics/Laboratory Corporation of America, LabCorp
Classification: Uncertain significance. Last evaluated: 2025-03-07. Review status: criteria provided, single submitter. Criteria: LabCorp Variant Classification Summary - May 2015. Collection method: clinical testing. Allele origin: germline.
Comment: Variant summary: SMARCA2 c.86C>T (p.Pro29Leu) results in a non-conservative amino acid change in the encoded protein sequence. Five of five in-silico tools predict a damaging effect of the variant on protein function. The variant allele was found at a frequency of 8.9e-06 in 224878 control chromosomes. The available data on variant occurrences in the general population are insufficient to allow any conclusion about variant significance. To our knowledge, no occurrence of c.86C>T in individuals affected with SMARCA2-Related Disorders and no experimental evidence demonstrating its impact on protein function have been reported. No submitters have cited clinical-significance assessments for this variant to ClinVar. Based on the evidence outlined above, the variant was classified as uncertain significance.

NM_003070.5(SMARCA2):c.86C>T (p.Pro29Leu)

Gene: SMARCA2 (SWI/SNF related BAF chromatin remodeling complex subunit ATPase 2; plus strand). Cytogenetic location: 9p24.3.
Variant type: single nucleotide variant.
Coding change: c.86C>T on transcript NM_003070.5 (MANE Select); coding-DNA position 86, C replaced by T.
Protein change: p.Pro29Leu; replaces proline 29 with leucine.
Molecular consequence: missense variant.
Genome position (GRCh38, 1-based): chr9:2,029,108, C>T. VCF-style: chr9-2029108-C-T. GRCh37 (hg19) VCF-style: chr9-2029108-C-T.
Other names: c.86C>T, p.Pro29Leu (NM_001289396.2, NM_001289397.2, NM_139045.4); short protein forms P29L.
Identifiers: ClinVar variation 3895771 (VCV003895771.1).
Genomic context (GRCh38, chr9:2,029,108, plus strand): 5'-CGATGCCCCACCCAGGGCCTTCGCCGGGGCCTGGGCCTTCCCCTGGGCCAATTCTTGGGC[C>T]TAGTCCAGGACCAGGACCATCCCCAGGTTCCGTCCACAGCATGATGGGGCCAAGTCCTGG-3'
Protein context (NP_003061.3, residues 19-39): PGPSPGPILG[Pro29Leu]SPGPGPSPGS